The following is an entry in ClinVar:

ClinVar aggregate classification (germline): Pathogenic. Review status: reviewed by expert panel (3 of 4 stars). 6 submissions from 6 submitters: Pathogenic (1). 5 of the submissions do not count toward it. Last evaluated 2022-06-06.

Conditions:
Abnormality of the nervous system. Also called: Congenital nervous system disorder. Identifiers: MedGen C0497552, MONDO:0002320, HP:0000707.
Cerebral creatine deficiency syndrome. Also called: Creatine deficiency syndromes. Identifiers: Orphanet 79172, MedGen C5244016, MONDO:0000456.
Deficiency of guanidinoacetate methyltransferase (CCDS2). Also called: GAMT DEFICIENCY; CEREBRAL CREATINE DEFICIENCY SYNDROME 2; Guanidinoacetate Methyltransferase (GAMT) Deficiency. Identifiers: Orphanet 382, MedGen C0574080, MONDO:0012999, OMIM 612736.

Allele frequency attached by ClinVar (database versions not stated): gnomAD exomes below 0.00001.

Submissions (6):

ClinGen Cerebral Creatine Deficiency Syndromes Variant Curation Expert Panel, ClinGen
Classification: Pathogenic for Deficiency of guanidinoacetate methyltransferase. Last evaluated: 2022-06-06. Review status: reviewed by expert panel. Criteria: ClinGen_CCDS_ACMG_Specifications_GAMT_v1.1. Collection method: curation. Allele origin: germline. Inheritance: Autosomal recessive inheritance.
Comment: The NM_000156.6:c.316C>T variant in GAMT is a frameshift variant predicted to cause a premature stop codon in biologically relevant exon 2/6 leading to nonsense mediated decay in a gene in which loss-of-function is an established disease mechanism (PVS1). Two patients with this variant have been reported with clinical features consistent with GAMT deficiency, elevated guanidinoacetate in urine or plasma, and low or absent creatine peak on brain magnetic resonance spectroscopy (MRS), and one of these patients also had evidence of a guanidinoacetate peak on brain MRS (PMID: 20049533, 24415674, 29506905) (PP4_Strong). Both patients (who have different descriptions) are compound heterozygous for the variant and c.407C>T (p.Thr136Met), phase unknown (PMID 20049533, 24415674, 29506905). The allelic data from these patients will be used in the assessment of p.Thr136Met and is not included here to avoid circular logic. This variant is absent in gnomAD v2.1.1 (PM2_Supporting). There is a ClinVar entry for this variant (Variation ID: 566624). In summary, this variant meets the criteria to be classified as pathogenic for GAMT deficiency based on the ACMG/AMP criteria applied, as specified by the ClinGen Cerebral Creatine Deficiency Syndromes Variant Curation Expert Panel (Specifications Version 1.1.0): PVS1, PP4_strong, PM2_supporting. (Classification approved by the ClinGen CCDS VCEP on June 6, 2022).

Baylor Genetics
Classification: Pathogenic for Deficiency of guanidinoacetate methyltransferase. Last evaluated: 2024-01-16. Review status: criteria provided, single submitter. Criteria: ACMG Guidelines, 2015. Collection method: clinical testing. Allele origin: unknown. Not counted in ClinVar's aggregate classification.

Labcorp Genetics (formerly Invitae), Labcorp
Classification: Pathogenic for Cerebral creatine deficiency syndrome. Last evaluated: 2023-09-06. Review status: criteria provided, single submitter. Criteria: Invitae Variant Classification Sherloc (09022015). Collection method: clinical testing. Allele origin: germline. Not counted in ClinVar's aggregate classification.
Comment: This sequence change creates a premature translational stop signal (p.Gln106*) in the GAMT gene. It is expected to result in an absent or disrupted protein product. Loss-of-function variants in GAMT are known to be pathogenic (PMID: 15108290). This variant is not present in population databases (gnomAD no frequency). For these reasons, this variant has been classified as Pathogenic. Algorithms developed to predict the effect of sequence changes on RNA splicing suggest that this variant may create or strengthen a splice site. ClinVar contains an entry for this variant (Variation ID: 566624). This premature translational stop signal has been observed in individual(s) with cerebral creatine deficiency syndrome (PMID: 21140503).

Women's Health and Genetics/Laboratory Corporation of America, LabCorp
Classification: Pathogenic for Deficiency of guanidinoacetate methyltransferase. Last evaluated: 2021-07-23. Review status: criteria provided, single submitter. Criteria: LabCorp Variant Classification Summary - May 2015. Collection method: clinical testing. Allele origin: germline. Not counted in ClinVar's aggregate classification.
Comment: Variant summary: GAMT c.316C>T (p.Gln106X) results in a premature termination codon, predicted to cause a truncation of the encoded protein or absence of the protein due to nonsense mediated decay, which are commonly known mechanisms for disease. The variant was absent in 181168 control chromosomes (gnomAD). c.316C>T has been reported in the literature in individuals (in compound heterozygous state) affected with Guanidinoactetate Methyltransferase Deficiency (example: Alcaide_2011, Khaikin_2018). These data indicate that the variant may be associated with disease. At least one publication reports experimental evidence evaluating an impact on protein function, however, does not allow convincing conclusions about the variant effect (Alcaide_2011). Two ClinVar submitters (evaluation after 2014) cite the variant as pathogenic. Based on the evidence outlined above, the variant was classified as pathogenic.

Kariminejad - Najmabadi Pathology & Genetics Center
Classification: Pathogenic for Abnormality of the nervous system. Last evaluated: 2021-07-10. Review status: criteria provided, single submitter. Criteria: ACMG Guidelines, 2015. Collection method: clinical testing. Allele origin: germline. Affected: yes. Not counted in ClinVar's aggregate classification.

Mendelics
Classification: Pathogenic. Last evaluated: 2019-05-28. Review status: criteria provided, single submitter. Criteria: Mendelics Assertion Criteria 2017. Collection method: clinical testing. Allele origin: unknown. Not counted in ClinVar's aggregate classification.

Literature cited by the submitters: PubMed 15108290 (cited by Labcorp Genetics (formerly Invitae), Labcorp); PubMed 21140503 (cited by Labcorp Genetics (formerly Invitae), Labcorp and Women's Health and Genetics/Laboratory Corporation of America, LabCorp); PubMed 29506905 (cited by Women's Health and Genetics/Laboratory Corporation of America, LabCorp); PubMed 24415674 (cited by Women's Health and Genetics/Laboratory Corporation of America, LabCorp).

NM_000156.6(GAMT):c.316C>T (p.Gln106Ter)

Gene: GAMT (guanidinoacetate N-methyltransferase; minus strand). Cytogenetic location: 19p13.3.
Variant type: single nucleotide variant.
Coding change: c.316C>T on transcript NM_000156.6 (MANE Select); coding-DNA position 316, C replaced by T.
Protein change: p.Gln106Ter; replaces glutamine 106 with a stop codon.
Molecular consequence: nonsense.
Genome position (GRCh38, 1-based): chr19:1,399,804, G>A on the plus strand (C>T on the coding strand, the complement: GAMT is on the minus strand). VCF-style: chr19-1399804-G-A. GRCh37 (hg19) VCF-style: chr19-1399803-G-A.
Other names: NM_000156.6(GAMT):c.316C>T; p.Gln106Ter; c.316C>T, p.Gln106Ter (NM_138924.3); short protein forms Q106*.
Identifiers: ClinVar variation 566624 (VCV000566624.33), dbSNP rs1369786965, ClinGen allele CA402996122.